The following is an entry in ClinVar:

ClinVar aggregate classification (germline): Likely pathogenic (1 of 4 stars; one submission).

Conditions:
FLNA-related disorder.

Submission:

PreventionGenetics, part of Exact Sciences
Classification: Likely pathogenic for FLNA-related condition. Last evaluated: 2023-04-07. Review status: criteria provided, single submitter. Criteria: ACMG Guidelines, 2015. Collection method: clinical testing. Allele origin: germline.
Comment: The FLNA c.6839delA variant is predicted to result in a frameshift and premature protein termination (p.Lys2280Argfs*66). To our knowledge, this variant has not been reported in the literature or in a large population database, indicating this variant is rare. Frameshift variants in FLNA are expected to be pathogenic. This variant is interpreted as likely pathogenic.

NM_001110556.2(FLNA):c.6839del (p.Lys2280fs)

Gene: FLNA (filamin A; minus strand). Cytogenetic location: Xq28.
Variant type: Deletion.
Coding change: c.6839del on transcript NM_001110556.2 (MANE Select); coding-DNA position 6839, one base deleted (A; older notation c.6839delA).
Protein change: p.Lys2280fs; shifts the reading frame from lysine 2280.
Molecular consequence: frameshift variant.
Genome position (GRCh38, 1-based): chrX:154,351,952, T deleted on the plus strand (A on the coding strand, the reverse complement: FLNA is on the minus strand); the first of 2 consecutive T bases (chrX:154,351,952-154,351,953); deleting either gives the same sequence. VCF-style (leftmost placement, unchanged base first): chrX-154351951-CT-C. GRCh37 (hg19) VCF-style: chrX-153580319-CT-C.
Other names: c.6815del, p.Lys2272fs (NM_001456.4); short protein forms K2272fs, K2280fs.
Identifiers: ClinVar variation 2633598 (VCV002633598.1), dbSNP rs2522719685, ClinGen allele CA2695197200.